The following is an entry in ClinVar:

ClinVar aggregate classification (germline): Uncertain significance (1 of 4 stars; one submission).

gnomAD v4.1: 1 of 1,613,360 alleles (0.000062%); highest among the groups gnomAD compares: Non-Finnish European, 0.000085%; no homozygotes.

Submission:

GeneDx
Classification: Uncertain significance. Last evaluated: 2026-04-16. Review status: criteria provided, single submitter. Criteria: GeneDx Variant Classification Process June 2021. Collection method: clinical testing. Allele origin: germline.
Comment: Not observed at significant frequency in large population cohorts (gnomAD); In silico analysis supports that this missense variant has a deleterious effect on protein structure/function; Has not been previously published as pathogenic or benign to our knowledge

NM_000110.4(DPYD):c.489C>G (p.Phe163Leu)

Gene: DPYD (dihydropyrimidine dehydrogenase; minus strand). Cytogenetic location: 1p21.3.
Variant type: single nucleotide variant.
Coding change: c.489C>G on transcript NM_000110.4 (MANE Select); coding-DNA position 489, C replaced by G.
Protein change: p.Phe163Leu; replaces phenylalanine 163 with leucine.
Molecular consequence: missense variant.
Genome position (GRCh38, 1-based): chr1:97,699,542, G>C on the plus strand (C>G on the coding strand, the complement: DPYD is on the minus strand). VCF-style: chr1-97699542-G-C. GRCh37 (hg19) VCF-style: chr1-98165098-G-C.
Other names: short protein forms F163L.
Identifiers: ClinVar variation 3390791 (VCV003390791.2).
Genomic context (GRCh38, chr1:97,699,542, plus strand): 5'-AGACATTTTTTCTGGGGGAGGCAGCGAAGGATTTCTGATCTGTGGGATACTCATTGCTTT[G>C]AATACCTACGGGGAAATCAATTGTCATGGTTAAAATTTTGAAACTAGCTTACATCCTCAA-3'
Protein context (NP_000101.2, residues 153-173): GGLQQFATEV[Phe163Leu]KAMSIPQIRN